The following is an entry in ClinVar:

NM_001165963.4(SCN1A):c.680T>G (p.Ile227Ser)

Gene: SCN1A (sodium voltage-gated channel alpha subunit 1; minus strand). Cytogenetic location: 2q24.3.
Variant type: single nucleotide variant.
Coding change: c.680T>G on transcript NM_001165963.4 (MANE Select); coding-DNA position 680, T replaced by G.
Protein change: p.Ile227Ser; replaces isoleucine 227 with serine.
Molecular consequence: missense variant. On other transcripts: 5 prime UTR variant (1), non-coding transcript variant (1).
Genome position (GRCh38, 1-based): chr2:166,052,866, A>C on the plus strand (T>G on the coding strand, the complement: SCN1A is on the minus strand). VCF-style: chr2-166052866-A-C. GRCh37 (hg19) VCF-style: chr2-166909376-A-C.
Other names: p.I227S:ATT>AGT; c.680T>G, p.Ile227Ser (NM_001165964.3, NM_001202435.3, NM_001353948.2 and 10 more transcripts); c.-1746T>G (NM_001353961.2); short protein forms I227S.
Identifiers: ClinVar variation 68579 (VCV000068579.19), dbSNP rs121917937, ClinGen allele CA285045.
Genomic context (GRCh38, chr2:166,052,866, plus strand): 5'-CTGAATCACATGATGGGTCCGTCTCATTATCTAACCTTGCTCTCACCTGGAATGACTGAA[A>C]TCGTCTTCAATGCTCGGAGAACTCTGAATGTTCTCAATGCCGAGACATTGCCCAGGTCCA-3'
Protein context (NP_001159435.1, residues 217-237): TFRVLRALKT[Ile227Ser]SVIPGLKTIV

ClinVar aggregate classification (germline): Pathogenic. Review status: criteria provided, multiple submitters, no conflicts (2 of 4 stars). 9 submissions from 9 submitters: Pathogenic (8). 1 of the submissions does not count toward it. Last evaluated 2025-08-08.

Conditions:
SCN1A-related disorder. Also called: SCN1A-related conditions; SCN1A-related condition; SCN1A-related disorders.
Severe myoclonic epilepsy in infancy (DRVT). Also called: SEVERE MYOCLONIC EPILEPSY OF INFANCY; Epileptic encephalopathy, early infantile, 6 (Dravet syndrome); DEVELOPMENTAL AND EPILEPTIC ENCEPHALOPATHY 6A; Dravet syndrome; Severe Myoclonic Epilepsy in Infancy (SMEI). Identifiers: Orphanet 33069, MedGen C0751122, MONDO:0100135, OMIM 607208.
Early-infantile DEE. Also called: Early infantile epileptic encephalopathy; Ohtahara syndrome; Early infantile epileptic encephalopathy with suppression bursts. Identifiers: Orphanet 1934, MedGen C0393706, MONDO:0800491.

Submissions (10):

GeneDx
Classification: Pathogenic. Last evaluated: 2025-08-08. Review status: criteria provided, single submitter. Criteria: GeneDx Variant Classification Process June 2021. Collection method: clinical testing. Allele origin: germline. Affected: yes.
Comment: Published functional studies demonstrate significant impairment of channel function (PMID: 17054685); Not observed at significant frequency in large population cohorts (gnomAD); In silico analysis supports that this missense variant has a deleterious effect on protein structure/function; This variant is associated with the following publications: (PMID: 15277629, 18930999, 17347258, 17054684, 23195492, 35074891, 31440721, 31273778, 27197941, 32090326, 33287870, 35571373, 34926809, 38785537, 37073671, 12821740, 17054685)

3billion
Classification: Pathogenic for Severe myoclonic epilepsy in infancy. Last evaluated: 2025-05-22. Review status: criteria provided, single submitter. Criteria: ACMG Guidelines, 2015. Collection method: clinical testing. Allele origin: germline. Affected: yes.
Comment: The variant is not observed in the gnomAD v4.1.0 dataset. Predicted Consequence/Location: Missense variant Functional studies provide strong evidence of the variant having a damaging effect on the gene or gene product (PMID: 17054685). In silico tool predictions suggest damaging effect of the variant on gene or gene product [REVEL: 0.98 (>=0.6, sensitivity 0.68 and specificity 0.92); 3Cnet: 0.99 (> 0.75, sensitivity 0.96 and precision 0.92)]. The same nucleotide change resulting in the same amino acid change has been previously reported as pathogenic/likely pathogenic with strong evidence (ClinVar ID: VCV000068579 /PMID: 12821740 /3billion dataset). The variant has been previously reported as assumed (i.e. paternity and maternity not confirmed) de novo in at least two similarly affected unrelated individuals (PMID: 17054684). A different missense change at the same codon (p.Ile227Thr) has been reported as pathogenic/likely pathogenic with strong evidence (ClinVar ID: VCV000930374). Therefore, this variant is classified as Pathogenic according to the recommendation of ACMG/AMP guideline.

Labcorp Genetics (formerly Invitae), Labcorp
Classification: Pathogenic for Early-infantile DEE. Last evaluated: 2024-12-28. Review status: criteria provided, single submitter. Criteria: Invitae Variant Classification Sherloc (09022015). Collection method: clinical testing. Allele origin: germline.
Comment: This sequence change replaces isoleucine, which is neutral and non-polar, with serine, which is neutral and polar, at codon 227 of the SCN1A protein (p.Ile227Ser). This variant is not present in population databases (gnomAD no frequency). This missense change has been observed in individual(s) with Dravet syndrome, severe myoclonic epilepsy of infancy, and/or unspecified epilepsy (PMID: 12821740, 17054684, 19589774, 22050978, 22147323, 23195492). In at least one individual the variant was observed to be de novo. ClinVar contains an entry for this variant (Variation ID: 68579). Invitae Evidence Modeling of protein sequence and biophysical properties (such as structural, functional, and spatial information, amino acid conservation, physicochemical variation, residue mobility, and thermodynamic stability) indicates that this missense variant is expected to disrupt SCN1A protein function with a positive predictive value of 95%. Experimental studies have shown that this missense change affects SCN1A function (PMID: 17054685). For these reasons, this variant has been classified as Pathogenic.

Dasa
Classification: Pathogenic. Last evaluated: 2024-10-31. Review status: criteria provided, single submitter. Criteria: DASA Assertion Criteria. Collection method: clinical testing. Allele origin: germline.
Comment: NM_001165963.4(SCN1A):c.680T>G (p.Ile227Ser) is a missense variant that results in the substitution of isoleucine with serine. The affected residue or protein region has prior evidence supporting clinical relevance. De novo occurrence has been reported in an individual with related phenotype. This variant has been recurrently observed in individuals with related phenotype (PMID: 12821740; PMID: 17054684; PMID: 19589774; PMID: 22147323). Multiple computational predictions support a deleterious effect on the gene or gene product. The variant is present at low frequency in population datasets. Based on the available data, this variant is classified as pathogenic.

Blueprint Genetics
Classification: Pathogenic for SCN1A-related disorders. Last evaluated: 2022-11-09. Review status: criteria provided, single submitter. Criteria: ACMG Guidelines, 2015. Collection method: clinical testing. Allele origin: germline. Affected: yes. Observed: 1 variant allele.

Athena Diagnostics
Classification: Pathogenic. Last evaluated: 2016-04-04. Review status: criteria provided, single submitter. Criteria: Athena Diagnostics Criteria. Collection method: clinical testing. Allele origin: germline.

Center for Bioinformatics, Peking University
Classification: Pathogenic for Dravet syndrome. Last evaluated: 2014-12-20. Review status: criteria provided, single submitter. Criteria: Xu et al. (Hum Mutat. 2015). Collection method: research. Allele origin: de novo. Affected: yes. Observed: 3 variant alleles. Study: University Clinical Cooperation “985 Project” PKU-2014-1-1.
Comment: Dravet syndrome (DS) probands were recruited from the outpatient and inpatient child neurology units of Peking University First Hospital from 2005 till present. The study was approved by the Ethics Committee of Peking University First Hospital and the Institutional Review Board at Peking University. Participants or their parents provided written informed consent before enrollment. We collected a total of 267 mutations from 255 families with probands diagnosed with DS in China. All probands fulfilled the clinical diagnostic criteria.

Lifecell International Pvt. Ltd
Classification: Pathogenic for Severe myoclonic epilepsy in infancy. Review status: criteria provided, single submitter. Criteria: ACMG Guidelines, 2015. Collection method: clinical testing. Allele origin: germline. Inheritance: Autosomal dominant inheritance. Affected: yes. Observed: 1 variant allele, 1 heterozygote.
Comment: A heterozygous missense variant (c.680T>G) in exon 8 of the SCN1A gene that results in the amino acid substitution from Isoleucine to Serine at codon 227 (p.Ile227Ser) was identified. There is a large physicochemical difference between Isoleucine to Serine, which is likely to impact secondary protein structure as these residues differ in polarity, charge, size and/or other properties. The observed variant is not present in both the 1000 Genomes and gnomAD databases. The reference base is conserved across the species and in-silico predictions by Polyphen and SIFT are damaging. This variant has previously been reported for Dravet syndrome by Huang W et al., 2017. This variant is a non-conservative amino acid substitution that alters a highly conserved position in the transmembrane segment S4 (voltage sensor) of the first homologous domain, and functional studies indicate that it significantly impairs channel function (Ohmori et al., 2006). This variant has been previously classified as Pathogenic in ClinVar (Variation ID 68579 as of 2019-08-05) with respect to Dravet syndrome with a status of (2 stars) criteria provided, multiple submitters, no conflicts. The Missense Variants Z-Score for this variant is 5.61. Missense Variants Z-Score is produced by the Exome Aggregation Consortium (60,706 adult humans) by computing a signed Z score for the deviation of observed counts from the expected number. Positive Z scores indicate increased constraint (intolerance to variation) and therefore that the gene had fewer missense variants than expected. (DOI: 10.1038/nature19057). Based on the above evidence this variant has been classified as pathogenic according to the ACMG guidelines.

Channelopathy-Associated Epilepsy Research Center
No classification provided (evidence only). Condition: Severe myoclonic epilepsy in infancy. Review status: no classification provided. Collection method: literature only. Allele origin: not applicable. Functional consequence: Absence of peak current. Not counted in ClinVar's aggregate classification.
ClinVar note: "not provided" was previously submitted as the classification for the variant. However, the classification appeared to be based only on an observation of functional data so it was converted to no classification on 2025-07-30.

UniProtKB/Swiss-Prot
No classification provided. Condition: Severe myoclonic epilepsy in infancy. Review status: no classification provided. Collection method: not provided. Allele origin: unknown. Not counted in ClinVar's aggregate classification.

Literature cited by the submitters: PubMed 17054684 (cited by 4 submitters); PubMed 17054685 (cited by 4 submitters); PubMed 12821740 (cited by 4 submitters); PubMed 19589774 (cited by 3 submitters); PubMed 22050978 (cited by Labcorp Genetics (formerly Invitae), Labcorp); PubMed 22147323 (cited by 3 submitters); PubMed 23195492 (cited by Labcorp Genetics (formerly Invitae), Labcorp and Athena Diagnostics); PubMed 18930999 (cited by Athena Diagnostics).